The following is an entry in ClinVar:

ClinVar aggregate classification (germline): Likely pathogenic (1 of 4 stars; one submission).

Submission:

Labcorp Genetics (formerly Invitae), Labcorp
Classification: Likely pathogenic. Last evaluated: 2021-10-13. Review status: criteria provided, single submitter. Criteria: Invitae Variant Classification Sherloc (09022015). Collection method: clinical testing. Allele origin: germline.
Comment: In summary, the currently available evidence indicates that the variant is pathogenic, but additional data are needed to prove that conclusively. Therefore, this variant has been classified as Likely Pathogenic. This variant has not been reported in the literature in individuals affected with CEP250-related conditions. This variant is not present in population databases (ExAC no frequency). This sequence change affects an acceptor splice site in intron 7 of the CEP250 gene. It is expected to disrupt RNA splicing. Variants that disrupt the donor or acceptor splice site typically lead to a loss of protein function (PMID: 16199547), and loss-of-function variants in CEP250 are known to be pathogenic (PMID: 24780881, 29718797).

Literature cited by the submitters: PubMed 16199547; PubMed 24780881; PubMed 29718797.

NM_007186.6(CEP250):c.493-2A>G

Gene: CEP250 (centrosomal protein 250; plus strand). Cytogenetic location: 20q11.22.
Variant type: single nucleotide variant.
Coding change: c.493-2A>G on transcript NM_007186.6 (MANE Select); the canonical splice acceptor site of the intron before coding-DNA position 493, A replaced by G.
Molecular consequence: splice acceptor variant.
Genome position (GRCh38, 1-based): chr20:35,466,964, A>G. VCF-style: chr20-35466964-A-G. GRCh37 (hg19) VCF-style: chr20-34054789-A-G.
Other names: c.-1407-2A>G (NM_001318219.1).
Identifiers: ClinVar variation 1499551 (VCV001499551.6), dbSNP rs1276900541, ClinGen allele CA408754788.